The following is an entry in ClinVar:

ClinVar aggregate classification (germline): Benign/Likely benign. Review status: criteria provided, multiple submitters, no conflicts (2 of 4 stars). 3 submissions from 3 submitters: Benign (1); Likely benign (2). Last evaluated 2026-02-02.

Conditions:
Hereditary cancer-predisposing syndrome. Also called: Neoplastic Syndromes, Hereditary; Tumor predisposition; Hereditary neoplastic syndrome; Hereditary Cancer Syndrome. Identifiers: Orphanet 140162, MedGen C0027672, MeSH D009386, MONDO:0015356.
Tuberous sclerosis 2 (TSC2). Identifiers: Orphanet 805, MedGen C1860707, MONDO:0013199, OMIM 613254.

Submissions (3):

Ambry Genetics
Classification: Likely benign for Hereditary cancer-predisposing syndrome. Last evaluated: 2026-02-02. Review status: criteria provided, single submitter. Criteria: Ambry Variant Classification Scheme 2023. Collection method: clinical testing. Allele origin: germline.

Labcorp Genetics (formerly Invitae), Labcorp
Classification: Likely benign for Tuberous sclerosis 2. Last evaluated: 2025-07-30. Review status: criteria provided, single submitter. Criteria: Invitae Variant Classification Sherloc (09022015). Collection method: clinical testing. Allele origin: germline.

Myriad Genetics, Inc.
Classification: Benign for Tuberous sclerosis 2. Last evaluated: 2025-06-02. Review status: criteria provided, single submitter. Criteria: Myriad Autosomal Dominant, Autosomal Recessive and X-Linked Classification Criteria (2023). Collection method: clinical testing. Allele origin: unknown.
Comment: This variant is considered benign. This variant is a silent/synonymous amino acid change and it is not expected to impact splicing.

NM_000548.5(TSC2):c.3996C>G (p.Ala1332=)

Gene: TSC2 (TSC complex subunit 2; plus strand). Cytogenetic location: 16p13.3.
Variant type: single nucleotide variant.
Coding change: c.3996C>G on transcript NM_000548.5 (MANE Select); coding-DNA position 3996, C replaced by G.
Protein change: p.Ala1332=; no amino-acid change (alanine 1332 retained).
Molecular consequence: synonymous variant. On other transcripts: non-coding transcript variant (5).
Genome position (GRCh38, 1-based): chr16:2,083,807, C>G. VCF-style: chr16-2083807-C-G. GRCh37 (hg19) VCF-style: chr16-2133808-C-G.
Other names: c.3795C>G, p.Ala1265= (NM_001077183.3); c.3927C>G, p.Ala1309= (NM_001114382.3); c.3687C>G, p.Ala1229= (NM_001318827.2); c.3651C>G, p.Ala1217= (NM_001318829.2); c.3264C>G, p.Ala1088= (NM_001318831.2); c.3828C>G, p.Ala1276= (NM_001318832.2); c.3798C>G, p.Ala1266= (NM_001363528.2); c.3864C>G, p.Ala1288= (NM_001370404.1); and 26 more.
Identifiers: ClinVar variation 4071138 (VCV004071138.3).
Genomic context (GRCh38, chr16:2,083,807, plus strand): 5'-GGAGCCCCCAGGGTTGGAGGACGTTGAGGCAGCGCTAGGCATGGACAGGCGCACGGATGC[C>G]TACAGCAGGGTGAGTGTGGCTCAGAGCCTGGACCCTGCTGACCTCGGGGGGCTCCTTAGG-3'
Protein context (NP_000539.2, residues 1322-1342): AALGMDRRTD[Ala1332=]YSRSSSVSSQ